The following is an entry in ClinVar:

ClinVar aggregate classification (germline): Uncertain significance (1 of 4 stars; one submission).

gnomAD v4.1: 2 of 1,613,854 alleles (0.00012%); highest among the groups gnomAD compares: Non-Finnish European, 0.000085%; no homozygotes.

Submission:

Labcorp Genetics (formerly Invitae), Labcorp
Classification: Uncertain significance. Last evaluated: 2025-06-06. Review status: criteria provided, single submitter. Criteria: Invitae Variant Classification Sherloc (09022015). Collection method: clinical testing. Allele origin: germline.
Comment: This sequence change replaces glycine, which is neutral and non-polar, with alanine, which is neutral and non-polar, at codon 285 of the HNF1B protein (p.Gly285Ala). This variant is not present in population databases (gnomAD no frequency). This variant has not been reported in the literature in individuals affected with HNF1B-related conditions. Invitae Evidence Modeling of protein sequence and biophysical properties (such as structural, functional, and spatial information, amino acid conservation, physicochemical variation, residue mobility, and thermodynamic stability) has been performed for this missense variant. However, the output from this modeling did not meet the statistical confidence thresholds required to predict the impact of this variant on HNF1B protein function. In summary, the available evidence is currently insufficient to determine the role of this variant in disease. Therefore, it has been classified as a Variant of Uncertain Significance.

NM_000458.4(HNF1B):c.854G>C (p.Gly285Ala)

Gene: HNF1B (HNF1 homeobox B; minus strand). Cytogenetic location: 17q12.
Variant type: single nucleotide variant.
Coding change: c.854G>C on transcript NM_000458.4 (MANE Select); coding-DNA position 854, G replaced by C.
Protein change: p.Gly285Ala; replaces glycine 285 with alanine.
Molecular consequence: missense variant.
Genome position (GRCh38, 1-based): chr17:37,731,786, C>G on the plus strand (G>C on the coding strand, the complement: HNF1B is on the minus strand). VCF-style: chr17-37731786-C-G. GRCh37 (hg19) VCF-style: chr17-36091777-C-G.
Other names: c.776G>C, p.Gly259Ala (NM_001165923.4, NM_001304286.2); c.854G>C, p.Gly285Ala (NM_001411100.1); short protein forms G259A, G285A.
Identifiers: ClinVar variation 4804087 (VCV004804087.1).